The following is an entry in ClinVar:

ClinVar aggregate classification (germline): Uncertain significance (1 of 4 stars; one submission).

Conditions:
Hereditary cancer-predisposing syndrome. Also called: Neoplastic Syndromes, Hereditary; Tumor predisposition; Hereditary Cancer Syndrome; Hereditary neoplastic syndrome. Identifiers: Orphanet 140162, MedGen C0027672, MeSH D009386, MONDO:0015356.

Submission:

Ambry Genetics
Classification: Uncertain significance for Hereditary cancer-predisposing syndrome. Last evaluated: 2025-12-04. Review status: criteria provided, single submitter. Criteria: Ambry Variant Classification Scheme 2023. Collection method: clinical testing. Allele origin: germline.
Comment: The p.E302G variant (also known as c.905A>G), located in coding exon 1 of the MET gene, results from an A to G substitution at nucleotide position 905. The glutamic acid at codon 302 is replaced by glycine, an amino acid with similar properties. This amino acid position is conserved. In addition, this alteration is predicted to be tolerated by in silico analysis. Based on the available evidence, the clinical significance of this variant remains unclear.

NM_000245.4(MET):c.905A>G (p.Glu302Gly)

Gene: MET (MET proto-oncogene, receptor tyrosine kinase; plus strand). Cytogenetic location: 7q31.2.
Variant type: single nucleotide variant.
Coding change: c.905A>G on transcript NM_000245.4 (MANE Select); coding-DNA position 905, A replaced by G.
Protein change: p.Glu302Gly; replaces glutamic acid 302 with glycine.
Molecular consequence: missense variant. On other transcripts: intron variant (1).
Genome position (GRCh38, 1-based): chr7:116,699,989, A>G. VCF-style: chr7-116699989-A-G. GRCh37 (hg19) VCF-style: chr7-116340043-A-G.
Other names: c.905A>G, p.Glu302Gly (NM_001127500.3, NM_001324401.3); c.-91+27412A>G (NM_001324402.2); short protein forms E302G.
Identifiers: ClinVar variation 4648268 (VCV004648268.1).